The following is an entry in ClinVar:

NM_003849.3(SUCLG1):c.-536A>C

Genes: DNAH6 (dynein axonemal heavy chain 6; plus strand), SUCLG1 (succinate-CoA ligase GDP/ADP-forming subunit alpha; minus strand), LOC129934179 (ATAC-STARR-seq lymphoblastoid silent region 11686; plus strand). Cytogenetic location: 2p11.2.
Variant type: single nucleotide variant.
Coding change: c.-536A>C on transcript NM_003849.3; 536 bases upstream of the start codon, A replaced by C.
Genome position (GRCh38, 1-based): chr2:84,459,805, T>G on the plus strand (A>C on the coding strand, the complement: SUCLG1 is on the minus strand). VCF-style: chr2-84459805-T-G. GRCh37 (hg19) VCF-style: chr2-84686929-T-G.
Identifiers: ClinVar variation 673189 (VCV000673189.4), dbSNP rs3795866, ClinGen allele CA52257167.
Genomic context (GRCh38, chr2:84,459,805, plus strand): 5'-TATTAGAGAGAATAATATTTCTCACCGCGTACCTGTGCCTGGACCCGGAAGGGTTGCCGC[T>G]GGGGACGGGAATTCGAACTGGCACTGGTGGCCTGTGAAGGGAAAGATGTGATGAGAAAGA-3'

ClinVar aggregate classification (germline): Likely benign. Review status: criteria provided, multiple submitters, no conflicts (2 of 4 stars). 2 submissions from 2 submitters: Likely benign (2). Last evaluated 2018-06-14.

Allele frequency attached by ClinVar (database versions not stated): 1000 Genomes Project 0.02975; 1000 Genomes Project 30x 0.03076; gnomAD exomes 0.01832; gnomAD 0.02202 and 0.02219; TOPMed 0.02276.
gnomAD v4.1: 3,379 of 152,708 alleles (2.2%); highest among the groups gnomAD compares: East Asian, 5%; 40 homozygotes.

Submissions (2):

GeneDx
Classification: Likely benign. Last evaluated: 2018-06-14. Review status: criteria provided, single submitter. Criteria: GeneDx Variant Classification (06012015). Collection method: clinical testing. Allele origin: germline. Affected: yes.
Comment: This variant is considered likely benign or benign based on one or more of the following criteria: it is a conservative change, it occurs at a poorly conserved position in the protein, it is predicted to be benign by multiple in silico algorithms, and/or has population frequency not consistent with disease.

Breakthrough Genomics
Classification: Likely benign. Review status: criteria provided, single submitter. Criteria: ACMG Guidelines, 2015. Collection method: not provided. Allele origin: germline. Inheritance: Autosomal recessive inheritance. Affected: yes.